The following is an entry in ClinVar:

ClinVar aggregate classification (germline): Uncertain significance (1 of 4 stars; one submission).

Allele frequency attached by ClinVar (database versions not stated): ExAC 0.00001; TOPMed 0.00003; gnomAD 0.00004.
gnomAD v4.1: 8 of 1,612,626 alleles (0.0005%); highest among the groups gnomAD compares: African/African-American, 0.011%; no homozygotes.

Submission:

Women's Health and Genetics/Laboratory Corporation of America, LabCorp
Classification: Uncertain significance. Last evaluated: 2024-01-19. Review status: criteria provided, single submitter. Criteria: LabCorp Variant Classification Summary - May 2015. Collection method: clinical testing. Allele origin: germline.
Comment: Variant summary: SCO2 c.289G>T (p.Ala97Ser) results in a conservative amino acid change located in the Thioredoxin domain (IPR013766) of the encoded protein sequence. Four of five in-silico tools predict a benign effect of the variant on protein function. The variant allele was found at a frequency of 5e-06 in 1612626 control chromosomes, predominantly at a frequency of 0.0001067 within the African or African-American subpopulation in the gnomAD database v4. The available data on variant occurrences in the general population are insufficient to allow any conclusion about variant significance. To our knowledge, no occurrence of c.289G>T in individuals affected with Mitochondrial complex IV deficiency, nuclear type 2 and no experimental evidence demonstrating its impact on protein function have been reported. No submitters have cited clinical-significance assessments for this variant to ClinVar. Based on the evidence outlined above, the variant was classified as uncertain significance.

NM_005138.3(SCO2):c.289G>T (p.Ala97Ser)

Genes: SCO2 (synthesis of cytochrome C oxidase 2; minus strand), NCAPH2 (non-SMC condensin II complex subunit H2; plus strand). Cytogenetic location: 22q13.33.
Variant type: single nucleotide variant.
Coding change: c.289G>T on transcript NM_005138.3 (MANE Select); coding-DNA position 289, G replaced by T.
Protein change: p.Ala97Ser; replaces alanine 97 with serine.
Molecular consequence: missense variant. On other transcripts: 3 prime UTR variant (2).
Genome position (GRCh38, 1-based): chr22:50,524,123, C>A on the plus strand (G>T on the coding strand, the complement: SCO2 is on the minus strand). VCF-style: chr22-50524123-C-A. GRCh37 (hg19) VCF-style: chr22-50962552-C-A.
Other names: c.*748C>A (NM_001185011.2, NM_152299.4); c.289G>T, p.Ala97Ser (NM_001169109.2, NM_001169110.1, NM_001169111.2); short protein forms A97S.
Identifiers: ClinVar variation 3063990 (VCV003063990.1), dbSNP rs769765505, ClinGen allele CA10321242.